The following is an entry in ClinVar:

NM_024721.5(ZFHX4):c.7109C>T (p.Thr2370Met)

Gene: ZFHX4 (zinc finger homeobox 4; plus strand). Cytogenetic location: 8q21.13.
Variant type: single nucleotide variant.
Coding change: c.7109C>T on transcript NM_024721.5 (MANE Select); coding-DNA position 7109, C replaced by T.
Protein change: p.Thr2370Met; replaces threonine 2370 with methionine.
Molecular consequence: missense variant.
Genome position (GRCh38, 1-based): chr8:76,854,030, C>T. VCF-style: chr8-76854030-C-T. GRCh37 (hg19) VCF-style: chr8-77766266-C-T.
Other names: c.7109C>T (NM_024721.4); c.7031C>T, p.Thr2344Met (NM_001410934.1); short protein forms T2344M, T2370M.
Identifiers: ClinVar variation 3024864 (VCV003024864.24), dbSNP rs200621033, ClinGen allele CA4787918.

ClinVar aggregate classification (germline): Conflicting classifications of pathogenicity. Review status: criteria provided, conflicting classifications (1 of 4 stars). 3 submissions from 3 submitters: Uncertain significance (1); Benign (1); Likely benign (1). Last evaluated 2024-07-18.

Allele frequency attached by ClinVar (database versions not stated): 1000 Genomes Project 30x 0.00031; ESP Exome Variant Server 0.00032; gnomAD 0.00037; 1000 Genomes Project 0.00040; TOPMed 0.00047; ExAC 0.00059; gnomAD exomes 0.00064.
gnomAD v4.1: 985 of 1,613,930 alleles (0.061%); highest among the groups gnomAD compares: South Asian, 0.2%; 1 homozygote.

Submissions (3):

Blueprint Genetics
Classification: Likely benign. Last evaluated: 2024-07-18. Review status: criteria provided, single submitter. Criteria: ACMG Guidelines, 2015. Collection method: clinical testing. Allele origin: germline.

GeneDx
Classification: Uncertain significance. Last evaluated: 2024-01-05. Review status: criteria provided, single submitter. Criteria: GeneDx Variant Classification Process June 2021. Collection method: clinical testing. Allele origin: germline. Affected: yes.
Comment: In silico analysis supports that this missense variant does not alter protein structure/function; Has not been previously published as pathogenic or benign to our knowledge; Variants in candidate genes are classified as variants of uncertain significance in accordance with ACMG guidelines (PMID: 25741868)

CeGaT Center for Human Genetics Tuebingen
Classification: Benign. Last evaluated: 2023-12-01. Review status: criteria provided, single submitter. Criteria: CeGaT Center For Human Genetics Tuebingen Variant Classification Criteria Version 2. Collection method: clinical testing. Allele origin: germline. Affected: yes. Observed: 1 variant allele.
Comment: ZFHX4: BP4, BS1, BS2